The following is an entry in ClinVar:

NM_020638.3(FGF23):c.609G>A (p.Pro203=)

Gene: FGF23 (fibroblast growth factor 23; minus strand). Cytogenetic location: 12p13.32.
Variant type: single nucleotide variant.
Coding change: c.609G>A on transcript NM_020638.3 (MANE Select); coding-DNA position 609, G replaced by A.
Protein change: p.Pro203=; no amino-acid change (proline 203 retained).
Molecular consequence: synonymous variant.
Genome position (GRCh38, 1-based): chr12:4,370,490, C>T on the plus strand (G>A on the coding strand, the complement: FGF23 is on the minus strand). VCF-style: chr12-4370490-C-T. GRCh37 (hg19) VCF-style: chr12-4479656-C-T.
Identifiers: ClinVar variation 3035980 (VCV003035980.2), dbSNP rs1429413031, ClinGen allele CA478091515.

ClinVar aggregate classification (germline): Likely benign (0 of 4 stars; one submission).

Conditions:
FGF23-related disorder. Also called: FGF23-related condition.

Allele frequency attached by ClinVar (database versions not stated): gnomAD exomes below 0.00001; TOPMed below 0.00001; gnomAD 0.00001.
gnomAD v4.1: 3 of 1,610,972 alleles (0.00019%); highest among the groups gnomAD compares: African/African-American, 0.0027%; no homozygotes.

Submission:

PreventionGenetics, part of Exact Sciences
Classification: Likely benign for FGF23-related condition. Last evaluated: 2020-06-17. Review status: no assertion criteria provided. Collection method: clinical testing. Allele origin: germline.
Comment: This variant is classified as likely benign based on ACMG/AMP sequence variant interpretation guidelines (Richards et al. 2015 PMID: 25741868, with internal and published modifications).